The following is an entry in ClinVar:

NM_000038.6(APC):c.712dup (p.Gln238fs)

Gene: APC (APC regulator of Wnt signaling pathway; plus strand). Cytogenetic location: 5q22.2.
Variant type: Duplication.
Coding change: c.712dup on transcript NM_000038.6 (MANE Select); coding-DNA position 712, one base duplicated (C; older notation c.712dupC).
Protein change: p.Gln238fs; shifts the reading frame from glutamine 238.
Molecular consequence: frameshift variant. On other transcripts: 5 prime UTR variant (1), intron variant (2).
Genome position (GRCh38, 1-based): chr5:112,792,512, C duplicated; the last of 3 consecutive C bases (chr5:112,792,510-112,792,512); duplicating any one gives the same sequence. VCF-style (leftmost placement, unchanged base first): chr5-112792509-T-TC. GRCh37 (hg19) VCF-style: chr5-112128206-T-TC.
Other names: c.712dup, p.Gln238fs (NM_001127510.3, NM_001354895.2, NM_001354896.2 and 1 more transcripts); c.742dup, p.Gln248fs (NM_001354897.2, NM_001354902.2); c.637dup, p.Gln213fs (NM_001354898.2, NM_001354904.2); c.535dup, p.Gln179fs (NM_001354900.2, NM_001354901.2, NM_001354905.2); c.-324dup (NM_001354906.2); c.676-8767dup (NM_001127511.3); c.646-8767dup (NM_001354899.2); c.712dupC (NM_000038.5); short protein forms Q238fs, Q248fs, Q179fs, Q213fs.
Identifiers: ClinVar variation 470077 (VCV000470077.8), dbSNP rs1554074793, ClinGen allele CA658657479.
Genomic context (GRCh38, chr5:112,792,509, plus strand): 5'-AGAATAGCCAGAATTCAGCAAATCGAAAAGGACATACTTCGTATACGACAGCTTTTACAG[T>TC]CCCAAGCAACAGAAGCAGAGGTTAGTAAATTGCCTTTCTTGTTTGTGGGTATAAAAATAG-3'

ClinVar aggregate classification (germline): Pathogenic (1 of 4 stars; one submission).

Conditions:
Familial adenomatous polyposis 1 (FAP1). Also called: POLYPOSIS, ADENOMATOUS INTESTINAL; FAMILIAL ADENOMATOUS POLYPOSIS 1, ATTENUATED. Identifiers: MedGen C2713442, MONDO:0021056, OMIM 175100. Disease mechanism: loss of function.

Submission:

Labcorp Genetics (formerly Invitae), Labcorp
Classification: Pathogenic for Familial adenomatous polyposis 1. Last evaluated: 2021-12-17. Review status: criteria provided, single submitter. Criteria: Invitae Variant Classification Sherloc (09022015). Collection method: clinical testing. Allele origin: germline.
Comment: This sequence change creates a premature translational stop signal (p.Gln238Profs*14) in the APC gene. It is expected to result in an absent or disrupted protein product. Loss-of-function variants in APC are known to be pathogenic (PMID: 17963004, 20685668). This variant is not present in population databases (gnomAD no frequency). This variant has not been reported in the literature in individuals affected with APC-related conditions. ClinVar contains an entry for this variant (Variation ID: 470077). For these reasons, this variant has been classified as Pathogenic.

Literature cited by the submitters: PubMed 17963004; PubMed 20685668.